The following is an entry in ClinVar:

ClinVar aggregate classification (germline): Pathogenic. Review status: criteria provided, multiple submitters, no conflicts (2 of 4 stars). 2 submissions from 2 submitters: Pathogenic (2). Last evaluated 2025-11-17.

Conditions:
Seizure. Also called: Seizures. Identifiers: MedGen C0036572, HP:0001250.
Early-infantile DEE. Also called: Ohtahara syndrome; Early infantile epileptic encephalopathy; Early infantile epileptic encephalopathy with suppression bursts. Identifiers: Orphanet 1934, MedGen C0393706, MONDO:0800491.

Submissions (2):

Cytogénomique, Hospices Civils de Lyon
Classification: Pathogenic for Seizure. Last evaluated: 2025-11-17. Review status: criteria provided, single submitter. Criteria: ACMG Guidelines, 2015. Collection method: clinical testing. Allele origin: unknown. Affected: yes.

Labcorp Genetics (formerly Invitae), Labcorp
Classification: Pathogenic for Early-infantile DEE. Last evaluated: 2022-11-01. Review status: criteria provided, single submitter. Criteria: Invitae Variant Classification Sherloc (09022015). Collection method: clinical testing. Allele origin: germline.
Comment: This variant is not present in population databases (gnomAD no frequency). This sequence change affects a donor splice site in intron 22 of the SCN1A gene. It is expected to disrupt RNA splicing. Variants that disrupt the donor or acceptor splice site typically lead to a loss of protein function (PMID: 16199547), and loss-of-function variants in SCN1A are known to be pathogenic (PMID: 17347258, 18930999). Algorithms developed to predict the effect of sequence changes on RNA splicing suggest that this variant may disrupt the consensus splice site. This variant is also known as IVS22+1G>A. Disruption of this splice site has been observed in individual(s) with clinical features of SCN1A-related conditions (PMID: 11359211, 19763161, 28202706). In at least one individual the variant was observed to be de novo. For these reasons, this variant has been classified as Pathogenic.

Literature cited by the submitters: PubMed 16199547 (cited by Labcorp Genetics (formerly Invitae), Labcorp); PubMed 17347258 (cited by Labcorp Genetics (formerly Invitae), Labcorp); PubMed 18930999 (cited by Labcorp Genetics (formerly Invitae), Labcorp); PubMed 11359211 (cited by Labcorp Genetics (formerly Invitae), Labcorp); PubMed 19763161 (cited by Labcorp Genetics (formerly Invitae), Labcorp); PubMed 28202706 (cited by Labcorp Genetics (formerly Invitae), Labcorp).

NM_001165963.4(SCN1A):c.4338+1G>A

Genes: SCN1A (sodium voltage-gated channel alpha subunit 1; minus strand), LOC102724058 (uncharacterized LOC102724058; plus strand). Cytogenetic location: 2q24.3.
Variant type: single nucleotide variant.
Coding change: c.4338+1G>A on transcript NM_001165963.4 (MANE Select); the canonical splice donor site of the intron after coding-DNA position 4338, G replaced by A.
Molecular consequence: splice donor variant.
Genome position (GRCh38, 1-based): chr2:165,999,722, C>T on the plus strand (G>A on the coding strand, the complement: SCN1A is on the minus strand). VCF-style: chr2-165999722-C-T. GRCh37 (hg19) VCF-style: chr2-166856232-C-T.
Other names: c.4305+1G>A (NM_001353949.2, NM_001353950.2, NM_001353951.2 and 2 more transcripts); c.4254+1G>A (NM_001353958.2, NM_001353957.2, NM_001165964.3); c.4338+1G>A (NM_001202435.3, NM_001353948.2); c.4302+1G>A (NM_001353955.2, NM_001353954.2); c.4251+1G>A (NM_001353960.2); c.1896+1G>A (NM_001353961.2).
Identifiers: ClinVar variation 2149058 (VCV002149058.5), dbSNP rs1553523138, ClinGen allele CA10575440.